The following is an entry in ClinVar:

NM_001160372.4(TRAPPC9):c.81C>T (p.Ser27=)

Gene: TRAPPC9 (trafficking protein particle complex subunit 9; minus strand). Cytogenetic location: 8q24.3.
Variant type: single nucleotide variant.
Coding change: c.81C>T on transcript NM_001160372.4 (MANE Select); coding-DNA position 81, C replaced by T.
Protein change: p.Ser27=; no amino-acid change (serine 27 retained).
Molecular consequence: synonymous variant. On other transcripts: non-coding transcript variant (1).
Genome position (GRCh38, 1-based): chr8:140,451,293, G>A on the plus strand (C>T on the coding strand, the complement: TRAPPC9 is on the minus strand). VCF-style: chr8-140451293-G-A. GRCh37 (hg19) VCF-style: chr8-141461392-G-A.
Other names: c.81C>T, p.Ser27= (NM_001321646.2, NM_001374682.1, NM_001374683.1 and 2 more transcripts).
Identifiers: ClinVar variation 2658859 (VCV002658859.27), dbSNP rs141007597, ClinGen allele CA4893802.

ClinVar aggregate classification (germline): Likely benign. Review status: criteria provided, multiple submitters, no conflicts (2 of 4 stars). 2 submissions from 2 submitters: Likely benign (2). Last evaluated 2025-10-27.

Allele frequency attached by ClinVar (database versions not stated): TOPMed 0.00003; 1000 Genomes Project 30x 0.00016.
gnomAD v4.1: 110 of 1,610,090 alleles (0.0068%); highest among the groups gnomAD compares: African/African-American, 0.0027%; no homozygotes.

Submissions (2):

Labcorp Genetics (formerly Invitae), Labcorp
Classification: Likely benign. Last evaluated: 2025-10-27. Review status: criteria provided, single submitter. Criteria: Invitae Variant Classification Sherloc (09022015). Collection method: clinical testing. Allele origin: germline.

CeGaT Center for Human Genetics Tuebingen
Classification: Likely benign. Last evaluated: 2023-06-01. Review status: criteria provided, single submitter. Criteria: CeGaT Center For Human Genetics Tuebingen Variant Classification Criteria Version 2. Collection method: clinical testing. Allele origin: germline. Affected: yes. Observed: 1 variant allele.
Comment: TRAPPC9: BP4, BP7